The following is an entry in ClinVar:

ClinVar aggregate classification (germline): Likely benign (1 of 4 stars; one submission).

gnomAD v4.1: 5 of 441,510 alleles (0.0011%); highest among the groups gnomAD compares: Non-Finnish European, 0.0022%; no homozygotes.

Submission:

CeGaT Center for Human Genetics Tuebingen
Classification: Likely benign. Last evaluated: 2025-03-01. Review status: criteria provided, single submitter. Criteria: CeGaT Center For Human Genetics Tuebingen Variant Classification Criteria Version 2. Collection method: clinical testing. Allele origin: germline. Affected: yes. Observed: 1 variant allele.
Comment: DENND5B: BP4

NM_144973.4(DENND5B):c.128-4539A>G

Gene: DENND5B (DENN domain containing 5B; minus strand). Cytogenetic location: 12p11.21.
Variant type: single nucleotide variant.
Coding change: c.128-4539A>G on transcript NM_144973.4 (MANE Select); 4539 bases into the intron before coding-DNA position 128, A replaced by G.
Molecular consequence: intron variant. On other transcripts: missense variant (1).
Genome position (GRCh38, 1-based): chr12:31,500,458, T>C on the plus strand (A>G on the coding strand, the complement: DENND5B is on the minus strand). VCF-style: chr12-31500458-T-C. GRCh37 (hg19) VCF-style: chr12-31653392-T-C.
Other names: c.101A>G, p.Asn34Ser (NM_001308339.2); c.128-787A>G (NM_001366890.1, NM_001366893.1); c.128-4539A>G (NM_001366891.1, NM_001366892.1); short protein forms N34S.
Identifiers: ClinVar variation 3778363 (VCV003778363.7).